The following is an entry in ClinVar:

ClinVar aggregate classification (germline): Conflicting classifications of pathogenicity. Review status: criteria provided, conflicting classifications (1 of 4 stars). 2 submissions from 2 submitters: Uncertain significance (1); Likely benign (1). Last evaluated 2024-10-31.

gnomAD v4.1: 16 of 1,587,064 alleles (0.001%); highest among the groups gnomAD compares: Non-Finnish European, 0.0014%; no homozygotes.

Submissions (2):

Labcorp Genetics (formerly Invitae), Labcorp
Classification: Uncertain significance. Last evaluated: 2024-10-31. Review status: criteria provided, single submitter. Criteria: Invitae Variant Classification Sherloc (09022015). Collection method: clinical testing. Allele origin: germline.
Comment: This sequence change affects codon 275 of the GDF5 mRNA. It is a 'silent' change, meaning that it does not change the encoded amino acid sequence of the GDF5 protein. This variant is present in population databases (rs769160786, gnomAD 0.004%). This variant has not been reported in the literature in individuals affected with GDF5-related conditions. Experimental studies and prediction algorithms are not available or were not evaluated, and the functional significance of this variant is currently unknown. In summary, the available evidence is currently insufficient to determine the role of this variant in disease. Therefore, it has been classified as a Variant of Uncertain Significance.

Blueprint Genetics
Classification: Likely benign. Last evaluated: 2022-09-29. Review status: criteria provided, single submitter. Criteria: ACMG Guidelines, 2015. Collection method: clinical testing. Allele origin: germline.

NM_000557.5(GDF5):c.825C>T (p.Ala275=)

Genes: GDF5 (growth differentiation factor 5; minus strand), GDF5-AS1 (GDF5 antisense RNA 1; plus strand). Cytogenetic location: 20q11.22.
Variant type: single nucleotide variant.
Coding change: c.825C>T on transcript NM_000557.5 (MANE Select); coding-DNA position 825, C replaced by T.
Protein change: p.Ala275=; no amino-acid change (alanine 275 retained).
Molecular consequence: synonymous variant. On other transcripts: non-coding transcript variant (1).
Genome position (GRCh38, 1-based): chr20:35,434,590, G>A on the plus strand (C>T on the coding strand, the complement: GDF5 is on the minus strand). VCF-style: chr20-35434590-G-A. GRCh37 (hg19) VCF-style: chr20-34022388-G-A.
Other names: c.825C>T, p.Ala275= (NM_001319138.2).
Identifiers: ClinVar variation 3719048 (VCV003719048.3).
Genomic context (GRCh38, chr20:35,434,590, plus strand): 5'-GTCGAACACCTCCCAGCCAGATCCGTCCAGGCCTGGCACGGAGCGCACATCCAGCAAGGC[G>A]GCCGGCTGCCGGCCGCTGGGGCAGCTGGACAGCTTCAGCTGGGCAGCCCGCCCGCCTCCG-3'
Protein context (NP_000548.2, residues 265-285): LSSCPSGRQP[Ala275=]ALLDVRSVPG